The following is an entry in ClinVar:

NM_000093.5(COL5A1):c.1502del (p.Pro501fs)

Gene: COL5A1 (collagen type V alpha 1 chain; plus strand). Cytogenetic location: 9q34.3.
Variant type: Deletion.
Coding change: c.1502del on transcript NM_000093.5 (MANE Select); coding-DNA position 1502, one base deleted (C; older notation c.1502delC).
Protein change: p.Pro501fs; shifts the reading frame from proline 501.
Molecular consequence: frameshift variant.
Genome position (GRCh38, 1-based): chr9:134,750,549, C deleted; the last of 6 consecutive C bases (chr9:134,750,544-134,750,549); deleting any one gives the same sequence. VCF-style (leftmost placement, unchanged base first): chr9-134750543-GC-G. GRCh37 (hg19) VCF-style: chr9-137642389-GC-G.
Other names: c.1502del, p.Pro501fs (NM_001278074.1); c.1502del (NM_000093.3); short protein forms P501fs.
Identifiers: ClinVar variation 426926 (VCV000426926.45), dbSNP rs1085307855, ClinGen allele CA467652881.

ClinVar aggregate classification (germline): Pathogenic. Review status: criteria provided, multiple submitters, no conflicts (2 of 4 stars). 3 submissions from 3 submitters: Pathogenic (3). Last evaluated 2024-01-18.

Conditions:
Ehlers-Danlos syndrome, classic type, 1 (EDSCL1). Also called: EDS I; Ehlers-Danlos Syndrome, Classic Type, COL5A1-Related; Ehlers-Danlos syndrome, type 1; EHLERS-DANLOS SYNDROME, GRAVIS TYPE; EHLERS-DANLOS SYNDROME, SEVERE CLASSIC TYPE. Identifiers: MedGen C0268335, MONDO:0019567, OMIM 130000.

Submissions (3):

GeneDx
Classification: Pathogenic. Last evaluated: 2024-01-18. Review status: criteria provided, single submitter. Criteria: GeneDx Variant Classification Process June 2021. Collection method: clinical testing. Allele origin: germline. Affected: yes.
Comment: Not observed at significant frequency in large population cohorts (gnomAD); Frameshift variant predicted to result in protein truncation or nonsense mediated decay in a gene for which loss of function is a known mechanism of disease; Published functional studies demonstrate that c.1502delC results in loss of protein from this allele through nonsense-mediated mRNA decay in fibroblasts from an individual with classical EDS (PMID: 22696272); This variant is associated with the following publications: (PMID: 22696272, 33498938)

3billion
Classification: Pathogenic for Ehlers-Danlos syndrome, classic type, 1. Last evaluated: 2022-05-22. Review status: criteria provided, single submitter. Criteria: ACMG Guidelines, 2015. Collection method: clinical testing. Allele origin: germline. Affected: yes. Observed: 1 heterozygote.
Comment: The variant is not observed in the gnomAD v2.1.1 dataset. Frameshift: predicted to result in a loss or disruption of normal protein function through nonsense-mediated decay (NMD) or protein truncation. Multiple pathogenic variants are reported downstream of the variant. The variant has been reported at least twice as pathogenic with clinical assertions and evidence for the classification (ClinVar ID: VCV000426926 / PMID: 22696272). Therefore, this variant is classified as pathogenic according to the recommendation of ACMG/AMP guideline.

CeGaT Center for Human Genetics Tuebingen
Classification: Pathogenic. Last evaluated: 2016-11-01. Review status: criteria provided, single submitter. Criteria: CeGaT Center For Human Genetics Tuebingen Variant Classification Criteria Version 2. Collection method: clinical testing. Allele origin: germline. Affected: yes. Observed: 1 variant allele.

Literature cited by the submitters: PubMed 22696272 (cited by 3billion).